The following is an entry in ClinVar:

NM_005070.4(SLC4A3):c.218-5C>T

Gene: SLC4A3 (solute carrier family 4 member 3; plus strand). Cytogenetic location: 2q35.
Variant type: single nucleotide variant.
Coding change: c.218-5C>T on transcript NM_005070.4 (MANE Select); 5 bases into the intron before coding-DNA position 218, C replaced by T.
Molecular consequence: intron variant.
Genome position (GRCh38, 1-based): chr2:219,629,139, C>T. VCF-style: chr2-219629139-C-T. GRCh37 (hg19) VCF-style: chr2-220493861-C-T.
Other names: p.?; c.218-5C>T (NM_001326559.2, NM_201574.3, NM_005070.3 and 1 more transcripts).
Identifiers: ClinVar variation 2651937 (VCV002651937.27), dbSNP rs41272705, ClinGen allele CA2133536.

ClinVar aggregate classification (germline): Benign/Likely benign. Review status: criteria provided, multiple submitters, no conflicts (2 of 4 stars). 4 submissions from 4 submitters: Benign (3); Likely benign (1). Last evaluated 2025-04-09.

Conditions:
SLC4A3-related disorder. Also called: SLC4A3-related condition.

Allele frequency attached by ClinVar (database versions not stated): 1000 Genomes Project 30x 0.00156; 1000 Genomes Project 0.00180; ESP Exome Variant Server 0.00262; ExAC 0.00318; TOPMed 0.00331; gnomAD 0.00340; gnomAD exomes 0.00484.
gnomAD v4.1: 7,369 of 1,572,930 alleles (0.47%); highest among the groups gnomAD compares: Non-Finnish European, 0.56%; 32 homozygotes.

Submissions (4):

Molecular Diagnostic Laboratory for Inherited Cardiovascular Disease, Montreal Heart Institute
Classification: Benign. Last evaluated: 2025-04-09. Review status: criteria provided, single submitter. Criteria: ACMG Guidelines, 2015. Collection method: clinical testing. Allele origin: germline. Affected: no.

PreventionGenetics, part of Exact Sciences
Classification: Benign for SLC4A3-related condition. Last evaluated: 2024-12-04. Review status: criteria provided, single submitter. Criteria: ACMG Guidelines, 2015. Collection method: clinical testing. Allele origin: germline.
Comment: This variant is classified as benign based on ACMG/AMP sequence variant interpretation guidelines (Richards et al. 2015 PMID: 25741868, with internal and published modifications).

Mayo Clinic Laboratories, Mayo Clinic
Classification: Benign. Last evaluated: 2024-08-29. Review status: criteria provided, single submitter. Criteria: ACMG Guidelines, 2015. Collection method: clinical testing. Allele origin: germline. Observed: 8 variant alleles.
Comment: BS1, BS2, BP4, BP7

CeGaT Center for Human Genetics Tuebingen
Classification: Likely benign. Last evaluated: 2023-03-01. Review status: criteria provided, single submitter. Criteria: CeGaT Center For Human Genetics Tuebingen Variant Classification Criteria Version 2. Collection method: clinical testing. Allele origin: germline. Affected: yes. Observed: 1 variant allele.
Comment: SLC4A3: BP4, BS2